The following is an entry in ClinVar:

ClinVar aggregate classification (germline): Uncertain significance (1 of 4 stars; one submission).

Allele frequency attached by ClinVar (database versions not stated): gnomAD exomes below 0.00001; ExAC 0.00002.
gnomAD v4.1: 2 of 1,614,210 alleles (0.00012%); highest among the groups gnomAD compares: South Asian, 0.0011%; no homozygotes.

Submission:

Ambry Genetics
Classification: Uncertain significance. Last evaluated: 2023-06-01. Review status: criteria provided, single submitter. Criteria: Ambry Variant Classification Scheme 2023. Collection method: clinical testing. Allele origin: germline.
Comment: The p.I2112V variant (also known as c.6334A>G), located in coding exon 12 of the ALPK2 gene, results from an A to G substitution at nucleotide position 6334. The isoleucine at codon 2112 is replaced by valine, an amino acid with highly similar properties. This amino acid position is conserved. In addition, this alteration is predicted to be tolerated by in silico analysis. Since supporting evidence is limited at this time, the clinical significance of this alteration remains unclear.

NM_052947.4(ALPK2):c.6334A>G (p.Ile2112Val)

Gene: ALPK2 (alpha kinase 2; minus strand). Cytogenetic location: 18q21.31.
Variant type: single nucleotide variant.
Coding change: c.6334A>G on transcript NM_052947.4 (MANE Select); coding-DNA position 6334, A replaced by G.
Protein change: p.Ile2112Val; replaces isoleucine 2112 with valine.
Molecular consequence: missense variant.
Genome position (GRCh38, 1-based): chr18:58,482,002, T>C on the plus strand (A>G on the coding strand, the complement: ALPK2 is on the minus strand). VCF-style: chr18-58482002-T-C. GRCh37 (hg19) VCF-style: chr18-56149234-T-C.
Other names: short protein forms I2112V.
Identifiers: ClinVar variation 2564104 (VCV002564104.2), dbSNP rs756543711, ClinGen allele CA8976171.